The following is an entry in ClinVar:

NM_032898.5(CEP19):c.425T>G (p.Val142Gly)

Gene: CEP19 (centrosomal protein 19; minus strand). Cytogenetic location: 3q29.
Variant type: single nucleotide variant.
Coding change: c.425T>G on transcript NM_032898.5 (MANE Select); coding-DNA position 425, T replaced by G.
Protein change: p.Val142Gly; replaces valine 142 with glycine.
Molecular consequence: missense variant.
Genome position (GRCh38, 1-based): chr3:196,707,618, A>C on the plus strand (T>G on the coding strand, the complement: CEP19 is on the minus strand). VCF-style: chr3-196707618-A-C. GRCh37 (hg19) VCF-style: chr3-196434489-A-C.
Other names: c.437T>G (NM_032898.3); c.320T>G, p.Val107Gly (NM_001379468.1); c.425T>G, p.Val142Gly (NM_001379469.1, NM_001379470.1); short protein forms V107G, V142G.
Identifiers: ClinVar variation 1463978 (VCV001463978.6), dbSNP rs780261359, ClinGen allele CA2782079.

ClinVar aggregate classification (germline): Uncertain significance. Review status: criteria provided, multiple submitters, no conflicts (2 of 4 stars). 2 submissions from 2 submitters: Uncertain significance (2). Last evaluated 2025-08-10.

Allele frequency attached by ClinVar (database versions not stated): TOPMed below 0.00001; gnomAD exomes 0.00002.

Submissions (2):

Ambry Genetics
Classification: Uncertain significance. Last evaluated: 2025-08-10. Review status: criteria provided, single submitter. Criteria: Ambry Variant Classification Scheme 2023. Collection method: clinical testing. Allele origin: germline.

Labcorp Genetics (formerly Invitae), Labcorp
Classification: Uncertain significance. Last evaluated: 2022-03-10. Review status: criteria provided, single submitter. Criteria: Invitae Variant Classification Sherloc (09022015). Collection method: clinical testing. Allele origin: germline.
Comment: In summary, the available evidence is currently insufficient to determine the role of this variant in disease. Therefore, it has been classified as a Variant of Uncertain Significance. Algorithms developed to predict the effect of sequence changes on RNA splicing suggest that this variant may create or strengthen a splice site. Algorithms developed to predict the effect of missense changes on protein structure and function are either unavailable or do not agree on the potential impact of this missense change (SIFT: "Deleterious"; PolyPhen-2: "Probably Damaging"; Align-GVGD: "Class C15"). This variant has not been reported in the literature in individuals affected with CEP19-related conditions. This variant is present in population databases (rs780261359, gnomAD 0.003%). This sequence change replaces valine, which is neutral and non-polar, with glycine, which is neutral and non-polar, at codon 146 of the CEP19 protein (p.Val146Gly).